The following is an entry in ClinVar:

ClinVar aggregate classification (germline): Pathogenic (1 of 4 stars; one submission).

Submission:

GeneDx
Classification: Pathogenic. Last evaluated: 2019-03-15. Review status: criteria provided, single submitter. Criteria: GeneDx Variant Classification (06012015). Collection method: clinical testing. Allele origin: germline. Affected: yes.
Comment: The c.314dupT variant in the BCL11A gene has not been reported previously as a pathogenic variantnor as a benign variant, to our knowledge. The c.314dupT variant causes a frameshift starting withcodon Threonine 106, changes this amino acid to a Histidine residue, and creates a premature Stopcodon at position five of the new reading frame, denoted p.Thr106HisfsX5. This variant is predicted to cause loss of normal protein function either through protein truncation or nonsense-mediatedmRNA decay. The c.314dupT variant is not observed in large population cohorts (Lek et al., 2016). We interpret c.314dupT as a pathogenic variant.

NM_022893.4(BCL11A):c.314dup (p.Thr106fs)

Gene: BCL11A (BCL11 transcription factor A; minus strand). Cytogenetic location: 2p16.1.
Variant type: Duplication.
Coding change: c.314dup on transcript NM_022893.4 (MANE Select); coding-DNA position 314, one base duplicated (T; older notation c.314dupT).
Protein change: p.Thr106fs; shifts the reading frame from threonine 106.
Molecular consequence: frameshift variant.
Genome position (GRCh38, 1-based): chr2:60,546,042, A duplicated on the plus strand (T on the coding strand, the reverse complement: BCL11A is on the minus strand). VCF-style (leftmost placement, unchanged base first): chr2-60546041-G-GA. GRCh37 (hg19) VCF-style: chr2-60773176-G-GA.
Other names: c.314dup, p.Thr106fs (NM_001363864.1, NM_001365609.1, NM_018014.4 and 1 more transcripts); short protein forms T106fs.
Identifiers: ClinVar variation 817487 (VCV000817487.1), dbSNP rs1573096202, ClinGen allele CA915943911.